The following is an entry in ClinVar:

ClinVar aggregate classification (germline): Uncertain significance. Review status: criteria provided, multiple submitters, no conflicts (2 of 4 stars). 2 submissions from 2 submitters: Uncertain significance (2). Last evaluated 2025-11-21.

Submissions (2):

Mayo Clinic Laboratories, Mayo Clinic
Classification: Uncertain significance. Last evaluated: 2025-11-21. Review status: criteria provided, single submitter. Criteria: ACMG Guidelines, 2015. Collection method: clinical testing. Allele origin: germline. Observed: 1 variant allele.
Comment: PP4, PM2_supporting

GeneDx
Classification: Uncertain significance. Last evaluated: 2023-09-08. Review status: criteria provided, single submitter. Criteria: GeneDx Variant Classification Process June 2021. Collection method: clinical testing. Allele origin: germline. Affected: yes.
Comment: Reported in an individual with history of hypertension and spontaneous coronary artery dissections (Verstraeten et al., 2020); Not observed at significant frequency in large population cohorts (gnomAD); In silico analysis supports that this missense variant has a deleterious effect on protein structure/function; This variant is associated with the following publications: (PMID: 32897753)

Literature cited by the submitters: PubMed 32897753 (cited by Mayo Clinic Laboratories, Mayo Clinic).

NM_005901.6(SMAD2):c.619C>G (p.Pro207Ala)

Gene: SMAD2 (SMAD family member 2; minus strand). Cytogenetic location: 18q21.1.
Variant type: single nucleotide variant.
Coding change: c.619C>G on transcript NM_005901.6 (MANE Select); coding-DNA position 619, C replaced by G.
Protein change: p.Pro207Ala; replaces proline 207 with alanine.
Molecular consequence: missense variant.
Genome position (GRCh38, 1-based): chr18:47,868,359, G>C on the plus strand (C>G on the coding strand, the complement: SMAD2 is on the minus strand). VCF-style: chr18-47868359-G-C. GRCh37 (hg19) VCF-style: chr18-45394730-G-C.
Other names: p.Pro207Ala; c.619C>G, p.Pro207Ala (NM_001003652.4); c.529C>G, p.Pro177Ala (NM_001135937.3); short protein forms P177A, P207A.
Identifiers: ClinVar variation 1806762 (VCV001806762.5), dbSNP rs2144373030, ClinGen allele CA402501583.